The following is an entry in ClinVar:

NM_000548.5(TSC2):c.1735C>G (p.Pro579Ala)

Gene: TSC2 (TSC complex subunit 2; plus strand). Cytogenetic location: 16p13.3.
Variant type: single nucleotide variant.
Coding change: c.1735C>G on transcript NM_000548.5 (MANE Select); coding-DNA position 1735, C replaced by G.
Protein change: p.Pro579Ala; replaces proline 579 with alanine.
Molecular consequence: missense variant.
Genome position (GRCh38, 1-based): chr16:2,070,474, C>G. VCF-style: chr16-2070474-C-G. GRCh37 (hg19) VCF-style: chr16-2120475-C-G.
Other names: p.P579A:CCT>GCT; c.1735C>G, p.Pro579Ala (NM_001077183.3, NM_001114382.3, NM_001363528.2 and 3 more transcripts); c.1624C>G, p.Pro542Ala (NM_001318827.2); c.1588C>G, p.Pro530Ala (NM_001318829.2); c.1135C>G, p.Pro379Ala (NM_001318831.2); c.1768C>G, p.Pro590Ala (NM_001318832.2); c.1735C>G (NM_000548.4); short protein forms P579A, P530A, P542A, P590A, P379A.
Identifiers: ClinVar variation 49621 (VCV000049621.24), dbSNP rs45517196, ClinGen allele CA015587.

ClinVar aggregate classification (germline): Benign/Likely benign. Review status: criteria provided, multiple submitters, no conflicts (2 of 4 stars). 10 submissions from 10 submitters: Benign (6); Likely benign (2). 2 of the submissions do not count toward it. Last evaluated 2025-10-20.

Conditions:
TSC2-related disorder. Also called: TSC2-related condition; TSC2-Related Disorders.
Tuberous sclerosis 2 (TSC2). Identifiers: Orphanet 805, MedGen C1860707, MONDO:0013199, OMIM 613254.
Hereditary cancer-predisposing syndrome. Also called: Neoplastic Syndromes, Hereditary; Tumor predisposition; Hereditary Cancer Syndrome; Hereditary neoplastic syndrome. Identifiers: Orphanet 140162, MedGen C0027672, MeSH D009386, MONDO:0015356.
Tuberous sclerosis syndrome (TSC). Also called: Tuberous Sclerosis Complex; Tuberous sclerosis. Identifiers: Orphanet 805, MedGen C0041341, MONDO:0001734.

Allele frequency attached by ClinVar (database versions not stated): gnomAD below 0.00001 and 0.00003; gnomAD exomes 0.00011; ExAC 0.00017; 1000 Genomes Project 30x 0.00031; 1000 Genomes Project 0.00040.

Submissions (10):

Labcorp Genetics (formerly Invitae), Labcorp
Classification: Benign for Tuberous sclerosis 2. Last evaluated: 2025-10-20. Review status: criteria provided, single submitter. Criteria: Invitae Variant Classification Sherloc (09022015). Collection method: clinical testing. Allele origin: germline.

Myriad Genetics, Inc.
Classification: Likely benign for Tuberous sclerosis 2. Last evaluated: 2024-08-09. Review status: criteria provided, single submitter. Criteria: Myriad Autosomal Dominant, Autosomal Recessive and X-Linked Classification Criteria (2023). Collection method: clinical testing. Allele origin: unknown.
Comment: This variant is considered likely benign. This variant has been observed at a population frequency that is significantly greater than expected given the associated disease prevalence and penetrance.

All of Us Research Program, National Institutes of Health
Classification: Benign for Tuberous sclerosis syndrome. Last evaluated: 2024-03-25. Review status: criteria provided, single submitter. Criteria: ACMG Guidelines, 2015. Collection method: clinical testing. Allele origin: germline. Inheritance: Autosomal dominant inheritance. Observed: 4 variant alleles, 4 heterozygotes.
Comment: This study involves interpretation of variants in research participants for the purpose of population health screening. Participant phenotype was not available at the time of variant classification. Additional details can be found in publication PMID: 35346344, PMCID: PMC8962531

Color Diagnostics, LLC DBA Color Health
Classification: Benign for Tuberous sclerosis syndrome. Last evaluated: 2022-09-21. Review status: criteria provided, single submitter. Criteria: ACMG Guidelines, 2015. Collection method: clinical testing. Allele origin: germline.

Genome-Nilou Lab
Classification: Likely benign for Tuberous sclerosis 2. Last evaluated: 2021-11-07. Review status: criteria provided, single submitter. Criteria: ACMG Guidelines, 2015. Collection method: clinical testing. Allele origin: germline. Affected: no.

Ambry Genetics
Classification: Benign for Hereditary cancer-predisposing syndrome. Last evaluated: 2021-11-02. Review status: criteria provided, single submitter. Criteria: Ambry Variant Classification Scheme 2023. Collection method: clinical testing. Allele origin: germline.

Sema4
Classification: Benign for Hereditary cancer-predisposing syndrome. Last evaluated: 2021-09-04. Review status: criteria provided, single submitter. Criteria: Sema4 Curation Guidelines. Collection method: curation. Allele origin: germline.

GeneDx
Classification: Benign. Last evaluated: 2021-03-05. Review status: criteria provided, single submitter. Criteria: GeneDx Variant Classification Process June 2021. Collection method: clinical testing. Allele origin: germline. Affected: yes.

PreventionGenetics, part of Exact Sciences
Classification: Benign for TSC2-related condition. Last evaluated: 2024-05-08. Review status: no assertion criteria provided. Collection method: clinical testing. Allele origin: germline. Not counted in ClinVar's aggregate classification.
Comment: This variant is classified as benign based on ACMG/AMP sequence variant interpretation guidelines (Richards et al. 2015 PMID: 25741868, with internal and published modifications).

Tuberous sclerosis database (TSC2)
No classification provided. Condition: TSC. Review status: no classification provided. Criteria: Tuberous Sclerosis Database Assertion Criteria 2015. Collection method: curation. Allele origin: germline. Affected: yes. Not counted in ClinVar's aggregate classification.